The following is an entry in ClinVar:

ClinVar aggregate classification (germline): Uncertain significance. Review status: criteria provided, multiple submitters, no conflicts (2 of 4 stars). 3 submissions from 3 submitters: Uncertain significance (3). Last evaluated 2026-03-09.

Conditions:
HPS5-related disorder. Also called: HPS5-related condition.
Inborn genetic diseases. Identifiers: MedGen C0950123, MeSH D030342.

Allele frequency attached by ClinVar (database versions not stated): gnomAD exomes 0.00002 and 0.00005; ExAC 0.00004; ESP Exome Variant Server 0.00008; gnomAD 0.00025 and 0.00027; TOPMed 0.00026.
gnomAD v4.1: 61 of 1,613,204 alleles (0.0038%); highest among the groups gnomAD compares: African/African-American, 0.079%; no homozygotes.

Submissions (3):

PreventionGenetics, part of Exact Sciences
Classification: Uncertain significance for HPS5-related condition. Last evaluated: 2026-03-09. Review status: criteria provided, single submitter. Criteria: ACMG Guidelines, 2015. Collection method: clinical testing. Allele origin: germline.
Comment: The HPS5 c.3013A>G variant is predicted to result in the amino acid substitution p.Asn1005Asp. To our knowledge, this variant has not been reported in the literature. This variant is reported in 0.080% of alleles in individuals of African descent in gnomAD, which may be too frequent to be a primary cause of disease. Although we suspect that this variant may be benign, at this time, the clinical significance of this variant is uncertain due to the absence of conclusive functional and genetic evidence.

Ambry Genetics
Classification: Uncertain significance for Inborn genetic diseases. Last evaluated: 2024-12-11. Review status: criteria provided, single submitter. Criteria: Ambry Variant Classification Scheme 2023. Collection method: clinical testing. Allele origin: germline.

Labcorp Genetics (formerly Invitae), Labcorp
Classification: Uncertain significance. Last evaluated: 2021-09-01. Review status: criteria provided, single submitter. Criteria: Invitae Variant Classification Sherloc (09022015). Collection method: clinical testing. Allele origin: germline.
Comment: This sequence change replaces asparagine with aspartic acid at codon 1005 of the HPS5 protein (p.Asn1005Asp). The asparagine residue is moderately conserved and there is a small physicochemical difference between asparagine and aspartic acid. This variant is present in population databases (rs376985261, ExAC 0.05%). This variant has not been reported in the literature in individuals affected with HPS5-related conditions. Algorithms developed to predict the effect of missense changes on protein structure and function are either unavailable or do not agree on the potential impact of this missense change (SIFT: "Tolerated"; PolyPhen-2: "Possibly Damaging"; Align-GVGD: "Class C0"). In summary, the available evidence is currently insufficient to determine the role of this variant in disease. Therefore, it has been classified as a Variant of Uncertain Significance.

NM_181507.2(HPS5):c.3013A>G (p.Asn1005Asp)

Gene: HPS5 (HPS5 biogenesis of lysosomal organelles complex 2 subunit 2; minus strand). Cytogenetic location: 11p15.1.
Variant type: single nucleotide variant.
Coding change: c.3013A>G on transcript NM_181507.2 (MANE Select); coding-DNA position 3013, A replaced by G.
Protein change: p.Asn1005Asp; replaces asparagine 1005 with aspartic acid.
Molecular consequence: missense variant.
Genome position (GRCh38, 1-based): chr11:18,283,840, T>C on the plus strand (A>G on the coding strand, the complement: HPS5 is on the minus strand). VCF-style: chr11-18283840-T-C. GRCh37 (hg19) VCF-style: chr11-18305387-T-C.
Other names: c.2671A>G, p.Asn891Asp (NM_007216.4, NM_181508.2); short protein forms N1005D, N891D.
Identifiers: ClinVar variation 1466859 (VCV001466859.7), dbSNP rs376985261, ClinGen allele CA5909677.